The following is an entry in ClinVar:

NM_000169.3(GLA):c.750G>C (p.Gln250His)

Genes: GLA (galactosidase alpha; minus strand), RPL36A-HNRNPH2 (RPL36A-HNRNPH2 readthrough; plus strand). Cytogenetic location: Xq22.1.
Variant type: single nucleotide variant.
Coding change: c.750G>C on transcript NM_000169.3 (MANE Select); coding-DNA position 750, G replaced by C.
Protein change: p.Gln250His; replaces glutamine 250 with histidine.
Molecular consequence: missense variant. On other transcripts: non-coding transcript variant (3), intron variant (2).
Genome position (GRCh38, 1-based): chrX:101,398,836, C>G on the plus strand (G>C on the coding strand, the complement: GLA is on the minus strand). VCF-style: chrX-101398836-C-G. GRCh37 (hg19) VCF-style: chrX-100653824-C-G.
Other names: c.873G>C, p.Gln291His (NM_001406747.1); c.750G>C, p.Gln250His (NM_001406748.1); c.300+3379C>G (NM_001199973.2); c.177+7014C>G (NM_001199974.2); short protein forms Q250H, Q291H.
Identifiers: ClinVar variation 4072320 (VCV004072320.2).
Genomic context (GRCh38, chrX:101,398,836, plus strand): 5'-AGTTTTTACCATATCTGGGTCATTCCAACCCCCTGGTCCAGCAACATCAACAATTCTCTC[C>G]TGGTTAAAAGATGTCCAGTCCAAGATACTCTTTATACTTTTCCAGGAATCATCAATGTCA-3'
Protein context (NP_000160.1, residues 240-260): KSILDWTSFN[Gln250His]ERIVDVAGPG

ClinVar aggregate classification (germline): Uncertain significance. Review status: criteria provided, multiple submitters, no conflicts (2 of 4 stars). 2 submissions from 2 submitters: Uncertain significance (2). Last evaluated 2025-12-20.

Conditions:
Fabry disease. Also called: Fabry's disease; ALPHA-GALACTOSIDASE A DEFICIENCY; ANDERSON-FABRY DISEASE; CERAMIDE TRIHEXOSIDASE DEFICIENCY; GLA DEFICIENCY; HEREDITARY DYSTOPIC LIPIDOSIS. Identifiers: Orphanet 324, MedGen C0002986, MONDO:0010526, OMIM 301500, HP:0001071. Disease mechanism: Fabry disease is due to inactivating mutations in the X-linked GLA gene resulting in deficiency of the enzyme Alpha Galactosidase-A., loss of function.

Submissions (2):

Labcorp Genetics (formerly Invitae), Labcorp
Classification: Uncertain significance for Fabry disease. Last evaluated: 2025-12-20. Review status: criteria provided, single submitter. Criteria: Invitae Variant Classification Sherloc (09022015). Collection method: clinical testing. Allele origin: germline.
Comment: This sequence change replaces glutamine, which is neutral and polar, with histidine, which is basic and polar, at codon 250 of the GLA protein (p.Gln250His). This variant is not present in population databases (gnomAD no frequency). This variant has not been reported in the literature in individuals affected with GLA-related conditions. ClinVar contains an entry for this variant (Variation ID: 4072320). Invitae Evidence Modeling of protein sequence and biophysical properties (such as structural, functional, and spatial information, amino acid conservation, physicochemical variation, residue mobility, and thermodynamic stability) has been performed for this missense variant. However, the output from this modeling did not meet the statistical confidence thresholds required to predict the impact of this variant on GLA protein function. This variant disrupts the p.Gln250 amino acid residue in GLA. Other variant(s) that disrupt this residue have been determined to be pathogenic (PMID: 18555667, 27992580; internal data). This suggests that this residue is clinically significant, and that variants that disrupt this residue are likely to be disease-causing. In summary, the available evidence is currently insufficient to determine the role of this variant in disease. Therefore, it has been classified as a Variant of Uncertain Significance.

MVZ Martinsried, Medicover Genetics
Classification: Uncertain significance for Fabry disease. Last evaluated: 2025-01-30. Review status: criteria provided, single submitter. Criteria: ACGS Guidelines, 2020. Collection method: clinical testing. Allele origin: inherited. Observed: 1 hemizygote.

Literature cited by the submitters: PubMed 18555667 (cited by Labcorp Genetics (formerly Invitae), Labcorp); PubMed 27992580 (cited by Labcorp Genetics (formerly Invitae), Labcorp).